The following is an entry in ClinVar:

NM_006648.4(WNK2):c.4280C>A (p.Thr1427Asn)

Gene: WNK2 (WNK lysine deficient protein kinase 2; plus strand). Cytogenetic location: 9q22.31.
Variant type: single nucleotide variant.
Coding change: c.4280C>A on transcript NM_006648.4 (MANE Select); coding-DNA position 4280, C replaced by A.
Protein change: p.Thr1427Asn; replaces threonine 1427 with asparagine.
Molecular consequence: missense variant.
Genome position (GRCh38, 1-based): chr9:93,289,034, C>A. VCF-style: chr9-93289034-C-A. GRCh37 (hg19) VCF-style: chr9-96051316-C-A.
Other names: c.4391C>A, p.Thr1464Asn (NM_001282394.3); short protein forms T1427N, T1464N.
Identifiers: ClinVar variation 3470242 (VCV003470242.1).

ClinVar aggregate classification (germline): Uncertain significance (1 of 4 stars; one submission).

Submission:

Ambry Genetics
Classification: Uncertain significance. Last evaluated: 2024-11-21. Review status: criteria provided, single submitter. Criteria: Ambry Variant Classification Scheme 2023. Collection method: clinical testing. Allele origin: germline.
Comment: The p.T1427N variant (also known as c.4280C>A), located in coding exon 19 of the WNK2 gene, results from a C to A substitution at nucleotide position 4280. The threonine at codon 1427 is replaced by asparagine, an amino acid with similar properties. This amino acid position is conserved. In addition, this alteration is predicted to be tolerated by in silico analysis. Based on the available evidence, the clinical significance of this variant remains unclear.